The following is an entry in ClinVar:

ClinVar aggregate classification (germline): Uncertain significance (1 of 4 stars; one submission).

Conditions:
Glycogen storage disease type III (GSD3). Also called: FORBES DISEASE; Cori disease. Identifiers: Orphanet 366, MedGen C0017922, MONDO:0009291, OMIM 232400.

gnomAD v4.1: 3 of 1,614,062 alleles (0.00019%); highest among the groups gnomAD compares: Middle Eastern, 0.017%; no homozygotes.

Submission:

Labcorp Genetics (formerly Invitae), Labcorp
Classification: Uncertain significance for Glycogen storage disease type III. Last evaluated: 2022-01-28. Review status: criteria provided, single submitter. Criteria: Invitae Variant Classification Sherloc (09022015). Collection method: clinical testing. Allele origin: germline.
Comment: This sequence change replaces asparagine, which is neutral and polar, with aspartic acid, which is acidic and polar, at codon 497 of the AGL protein (p.Asn497Asp). This variant is not present in population databases (gnomAD no frequency). In summary, the available evidence is currently insufficient to determine the role of this variant in disease. Therefore, it has been classified as a Variant of Uncertain Significance. Algorithms developed to predict the effect of missense changes on protein structure and function (SIFT, PolyPhen-2, Align-GVGD) all suggest that this variant is likely to be tolerated. This variant has not been reported in the literature in individuals affected with AGL-related conditions.

NM_000642.3(AGL):c.1489A>G (p.Asn497Asp)

Gene: AGL (amylo-alpha-1,6-glucosidase and 4-alpha-glucanotransferase; plus strand). Cytogenetic location: 1p21.2.
Variant type: single nucleotide variant.
Coding change: c.1489A>G on transcript NM_000642.3 (MANE Select); coding-DNA position 1489, A replaced by G.
Protein change: p.Asn497Asp; replaces asparagine 497 with aspartic acid.
Molecular consequence: missense variant.
Genome position (GRCh38, 1-based): chr1:99,877,706, A>G. VCF-style: chr1-99877706-A-G. GRCh37 (hg19) VCF-style: chr1-100343262-A-G.
Other names: c.1489A>G, p.Asn497Asp (NM_000643.3, NM_000644.3, NM_001425325.1 and 2 more transcripts); c.1441A>G, p.Asn481Asp (NM_000646.3); c.1288A>G, p.Asn430Asp (NM_001425327.1); c.1285A>G, p.Asn429Asp (NM_001425328.1, NM_001425329.1); c.1111A>G, p.Asn371Asp (NM_001425332.1); short protein forms N481D, N497D, N371D, N429D, N430D.
Identifiers: ClinVar variation 2157579 (VCV002157579.4), dbSNP rs2524621103, ClinGen allele CA341314619.
Genomic context (GRCh38, chr1:99,877,706, plus strand): 5'-GAAGTTTACCTAAGGAGAGAACTTATTTGCTGGGGAGACAGTGTTAAATTACGCTATGGG[A>G]ATAAACCAGAGGACTGTCCTTATCTCTGGGCACACATGAAAAAATACACTGAAATAACTG-3'
Protein context (NP_000633.2, residues 487-507): WGDSVKLRYG[Asn497Asp]KPEDCPYLWA